The following is an entry in ClinVar:

ClinVar aggregate classification (germline): Uncertain significance. Review status: criteria provided, multiple submitters, no conflicts (2 of 4 stars). 2 submissions from 2 submitters: Uncertain significance (2). Last evaluated 2025-04-02.

Conditions:
DMXL2-related disorder. Also called: DMXL2-related condition.

Allele frequency attached by ClinVar (database versions not stated): gnomAD 0.00001; TOPMed 0.00001; ExAC 0.00002; gnomAD exomes 0.00002.
gnomAD v4.1: 31 of 1,613,974 alleles (0.0019%); highest among the groups gnomAD compares: Non-Finnish European, 0.0025%; no homozygotes.

Submissions (2):

PreventionGenetics, part of Exact Sciences
Classification: Uncertain significance for DMXL2-related condition. Last evaluated: 2025-04-02. Review status: criteria provided, single submitter. Criteria: ACMG Guidelines, 2015. Collection method: clinical testing. Allele origin: germline.
Comment: The DMXL2 c.8510A>T variant is predicted to result in the amino acid substitution p.Asn2837Ile. To our knowledge, this variant has not been reported in the literature. This variant is reported in 0.0054% of alleles in individuals of European (Non-Finnish) descent in gnomAD. At this time, the clinical significance of this variant is uncertain due to the absence of conclusive functional and genetic evidence.

Labcorp Genetics (formerly Invitae), Labcorp
Classification: Uncertain significance. Last evaluated: 2022-03-29. Review status: criteria provided, single submitter. Criteria: Invitae Variant Classification Sherloc (09022015). Collection method: clinical testing. Allele origin: germline.
Comment: This sequence change replaces asparagine, which is neutral and polar, with isoleucine, which is neutral and non-polar, at codon 2837 of the DMXL2 protein (p.Asn2837Ile). This variant is present in population databases (rs763245019, gnomAD 0.006%). This variant has not been reported in the literature in individuals affected with DMXL2-related conditions. Algorithms developed to predict the effect of missense changes on protein structure and function are either unavailable or do not agree on the potential impact of this missense change (SIFT: "Deleterious"; PolyPhen-2: "Possibly Damaging"; Align-GVGD: "Class C0"). In summary, the available evidence is currently insufficient to determine the role of this variant in disease. Therefore, it has been classified as a Variant of Uncertain Significance.

NM_001378457.1(DMXL2):c.8573A>T (p.Asn2858Ile)

Gene: DMXL2 (Dmx like 2; minus strand). Cytogenetic location: 15q21.2.
Variant type: single nucleotide variant.
Coding change: c.8573A>T on transcript NM_001378457.1 (MANE Select); coding-DNA position 8573, A replaced by T.
Protein change: p.Asn2858Ile; replaces asparagine 2858 with isoleucine.
Molecular consequence: missense variant. On other transcripts: non-coding transcript variant (2).
Genome position (GRCh38, 1-based): chr15:51,455,182, T>A on the plus strand (A>T on the coding strand, the complement: DMXL2 is on the minus strand). VCF-style: chr15-51455182-T-A. GRCh37 (hg19) VCF-style: chr15-51747379-T-A.
Other names: c.8510A>T, p.Asn2837Ile (NM_001174116.3); c.6599A>T, p.Asn2200Ile (NM_001174117.3); c.8570A>T, p.Asn2857Ile (NM_001378458.1); c.8285A>T, p.Asn2762Ile (NM_001378459.1); c.6488A>T, p.Asn2163Ile (NM_001378460.1); c.8507A>T, p.Asn2836Ile (NM_015263.5); c.8510A>T (NM_001174116.1); short protein forms N2163I, N2837I, N2200I, N2857I, N2858I, N2762I, N2836I.
Identifiers: ClinVar variation 2067765 (VCV002067765.3), dbSNP rs763245019, ClinGen allele CA7560981.